The following is an entry in ClinVar:

NM_005138.3(SCO2):c.340C>G (p.Arg114Gly)

Genes: NCAPH2 (non-SMC condensin II complex subunit H2; plus strand), SCO2 (synthesis of cytochrome C oxidase 2; minus strand). Cytogenetic location: 22q13.33.
Variant type: single nucleotide variant.
Coding change: c.340C>G on transcript NM_005138.3 (MANE Select); coding-DNA position 340, C replaced by G.
Protein change: p.Arg114Gly; replaces arginine 114 with glycine.
Molecular consequence: missense variant. On other transcripts: 3 prime UTR variant (2).
Genome position (GRCh38, 1-based): chr22:50,524,072, G>C on the plus strand (C>G on the coding strand, the complement: SCO2 is on the minus strand). VCF-style: chr22-50524072-G-C. GRCh37 (hg19) VCF-style: chr22-50962501-G-C.
Other names: c.*697G>C (NM_001185011.2, NM_152299.4); c.340C>G, p.Arg114Gly (NM_001169109.2, NM_001169110.1, NM_001169111.2); short protein forms R114G.
Identifiers: ClinVar variation 1516838 (VCV001516838.7), dbSNP rs372731740, ClinGen allele CA412193043.

ClinVar aggregate classification (germline): Uncertain significance. Review status: criteria provided, multiple submitters, no conflicts (2 of 4 stars). 2 submissions from 2 submitters: Uncertain significance (2). Last evaluated 2023-11-28.

Submissions (2):

Labcorp Genetics (formerly Invitae), Labcorp
Classification: Uncertain significance. Last evaluated: 2023-11-28. Review status: criteria provided, single submitter. Criteria: Invitae Variant Classification Sherloc (09022015). Collection method: clinical testing. Allele origin: germline.
Comment: This sequence change replaces arginine, which is basic and polar, with glycine, which is neutral and non-polar, at codon 114 of the SCO2 protein (p.Arg114Gly). This variant is not present in population databases (gnomAD no frequency). This variant has not been reported in the literature in individuals affected with SCO2-related conditions. ClinVar contains an entry for this variant (Variation ID: 1516838). Advanced modeling of protein sequence and biophysical properties (such as structural, functional, and spatial information, amino acid conservation, physicochemical variation, residue mobility, and thermodynamic stability) has been performed at Invitae for this missense variant, however the output from this modeling did not meet the statistical confidence thresholds required to predict the impact of this variant on SCO2 protein function. In summary, the available evidence is currently insufficient to determine the role of this variant in disease. Therefore, it has been classified as a Variant of Uncertain Significance.

GeneDx
Classification: Uncertain significance. Last evaluated: 2023-08-01. Review status: criteria provided, single submitter. Criteria: GeneDx Variant Classification Process June 2021. Collection method: clinical testing. Allele origin: germline. Affected: yes.
Comment: Not observed at significant frequency in large population cohorts (gnomAD); In silico analysis supports that this missense variant has a deleterious effect on protein structure/function; Has not been previously published as pathogenic or benign to our knowledge